The following is an entry in ClinVar:

ClinVar aggregate classification (germline): Likely benign (0 of 4 stars; one submission).

Conditions:
PLXNA2-related disorder. Also called: PLXNA2-related condition.

gnomAD v4.1: 16 of 1,612,298 alleles (0.00099%); highest among the groups gnomAD compares: East Asian, 0.0089%; no homozygotes.

Submission:

PreventionGenetics, part of Exact Sciences
Classification: Likely benign for PLXNA2-related condition. Last evaluated: 2024-05-20. Review status: no assertion criteria provided. Collection method: clinical testing. Allele origin: germline.
Comment: This variant is classified as likely benign based on ACMG/AMP sequence variant interpretation guidelines (Richards et al. 2015 PMID: 25741868, with internal and published modifications).

NM_025179.4(PLXNA2):c.2395+7G>A

Gene: PLXNA2 (plexin A2; minus strand). Cytogenetic location: 1q32.2.
Variant type: single nucleotide variant.
Coding change: c.2395+7G>A on transcript NM_025179.4 (MANE Select); 7 bases into the intron after coding-DNA position 2395, G replaced by A.
Molecular consequence: intron variant.
Genome position (GRCh38, 1-based): chr1:208,082,405, C>T on the plus strand (G>A on the coding strand, the complement: PLXNA2 is on the minus strand). VCF-style: chr1-208082405-C-T. GRCh37 (hg19) VCF-style: chr1-208255750-C-T.
Identifiers: ClinVar variation 3349633 (VCV003349633.1).
Genomic context (GRCh38, chr1:208,082,405, plus strand): 5'-CCCTCTAGCCCCAGTCTTTCCCGGGGTCGTGAAAAGATCAAACTTCTACCCGGAAGTAGC[C>T]GCTTACCTTTCAGGTCCTGAGGGTTGTCAATGATGAAATTGCCGTTCCACACCACAGCGA-3'